The following is an entry in ClinVar:

ClinVar aggregate classification (germline): Uncertain significance (1 of 4 stars; one submission).

Submission:

GeneDx
Classification: Uncertain significance. Last evaluated: 2026-02-06. Review status: criteria provided, single submitter. Criteria: GeneDx Variant Classification Process June 2021. Collection method: clinical testing. Allele origin: germline.
Comment: Not observed at significant frequency in large population cohorts (gnomAD); In silico analysis suggests that this missense variant does not alter protein structure/function; Has not been previously published as pathogenic or benign to our knowledge

NM_001199138.2(NLRC4):c.257G>A (p.Gly86Glu)

Gene: NLRC4 (NLR family CARD domain containing 4; minus strand). Cytogenetic location: 2p22.3.
Variant type: single nucleotide variant.
Coding change: c.257G>A on transcript NM_001199138.2 (MANE Select); coding-DNA position 257, G replaced by A.
Protein change: p.Gly86Glu; replaces glycine 86 with glutamic acid.
Molecular consequence: missense variant.
Genome position (GRCh38, 1-based): chr2:32,252,424, C>T on the plus strand (G>A on the coding strand, the complement: NLRC4 is on the minus strand). VCF-style: chr2-32252424-C-T. GRCh37 (hg19) VCF-style: chr2-32477493-C-T.
Other names: c.257G>A, p.Gly86Glu (NM_001199139.2, NM_001302504.2, NM_021209.5); short protein forms G86E.
Identifiers: ClinVar variation 4888018 (VCV004888018.1).
Genomic context (GRCh38, chr2:32,252,424, plus strand): 5'-TTTGTTGTGGTCTATTCTACTTGCAGAAACAGATGCAAAACTAACTGATACTTACTTTGT[C>T]CATTCAAGTCCTGAAATAGAGGATAGTTCCACTCCTTAAGGGATTTAAGAAAGAGGTTAC-3'
Protein context (NP_001186067.1, residues 76-96): WNYPLFQDLN[Gly86Glu]QSLFHQTSEG